The following is an entry in ClinVar:

ClinVar aggregate classification (germline): Conflicting classifications of pathogenicity. Review status: criteria provided, conflicting classifications (1 of 4 stars). 4 submissions from 4 submitters: Uncertain significance (1); Benign (1); Likely benign (2). Last evaluated 2026-01-19.

Conditions:
Hereditary cancer-predisposing syndrome. Also called: Hereditary Cancer Syndrome; Neoplastic Syndromes, Hereditary; Tumor predisposition; Hereditary neoplastic syndrome. Identifiers: Orphanet 140162, MedGen C0027672, MeSH D009386, MONDO:0015356.
Familial thoracic aortic aneurysm and aortic dissection (TAAD). Also called: Thoracic aortic aneurysms and dissections. Identifiers: Orphanet 91387, MedGen C4707243, MONDO:0019625.
Juvenile polyposis syndrome (JPS). Identifiers: Orphanet 2929, MedGen C0345893, MONDO:0017380, OMIM 174900.
Juvenile polyposis/hereditary hemorrhagic telangiectasia syndrome (JPHT). Also called: JP/HHT SYNDROME; JUVENILE POLYPOSIS WITH HEREDITARY HEMORRHAGIC TELANGIECTASIA; POLYPOSIS, GENERALIZED JUVENILE, WITH PULMONARY ARTERIOVENOUS MALFORMATION; TELANGIECTASIA, HEREDITARY HEMORRHAGIC, WITH JUVENILE POLYPOSIS COLI; Juvenile Polyposis Syndrome / Hereditary Hemorrhagic Telangiectasia (JPS/HHT). Identifiers: Orphanet 2929, MedGen C1832942, MONDO:0008278, OMIM 175050.

Allele frequency attached by ClinVar (database versions not stated): gnomAD 0.00001; gnomAD exomes 0.00001; ExAC 0.00002.
gnomAD v4.1: 5 of 1,613,712 alleles (0.00031%); highest among the groups gnomAD compares: Non-Finnish European, 0.000085%; no homozygotes.

Submissions (4):

Labcorp Genetics (formerly Invitae), Labcorp
Classification: Likely benign for Juvenile polyposis syndrome. Last evaluated: 2026-01-19. Review status: criteria provided, single submitter. Criteria: Invitae Variant Classification Sherloc (09022015). Collection method: clinical testing. Allele origin: germline.

Myriad Genetics, Inc.
Classification: Benign for Juvenile polyposis/hereditary hemorrhagic telangiectasia syndrome. Last evaluated: 2025-03-21. Review status: criteria provided, single submitter. Criteria: Myriad Autosomal Dominant, Autosomal Recessive and X-Linked Classification Criteria (2023). Collection method: clinical testing. Allele origin: unknown.
Comment: This variant is considered benign. This variant is a silent/synonymous amino acid change and it is not expected to impact splicing.

Blueprint Genetics
Classification: Uncertain significance. Last evaluated: 2023-12-20. Review status: criteria provided, single submitter. Criteria: ACMG Guidelines, 2015. Collection method: clinical testing. Allele origin: germline.

Ambry Genetics
Classification: Likely benign for Hereditary cancer-predisposing syndrome; Familial thoracic aortic aneurysm and aortic dissection. Last evaluated: 2023-04-19. Review status: criteria provided, single submitter. Criteria: Ambry Variant Classification Scheme 2023. Collection method: clinical testing. Allele origin: germline.

NM_005359.6(SMAD4):c.1137A>G (p.Ala379=)

Gene: SMAD4 (SMAD family member 4; plus strand). Cytogenetic location: 18q21.2.
Variant type: single nucleotide variant.
Coding change: c.1137A>G on transcript NM_005359.6 (MANE Select); coding-DNA position 1137, A replaced by G.
Protein change: p.Ala379=; no amino-acid change (alanine 379 retained).
Molecular consequence: synonymous variant.
Genome position (GRCh38, 1-based): chr18:51,065,604, A>G. VCF-style: chr18-51065604-A-G. GRCh37 (hg19) VCF-style: chr18-48591974-A-G.
Other names: c.1137A>G (NM_005359.5).
Identifiers: ClinVar variation 1118402 (VCV001118402.12), dbSNP rs755178619, ClinGen allele CA8965986.